The following is an entry in ClinVar:

ClinVar aggregate classification (germline): Uncertain significance (1 of 4 stars; one submission).

Conditions:
Malignant hyperthermia, susceptibility to, 1 (MHS1). Also called: RYR1-Related Malignant Hyperthermia Susceptibility; Malignant hyperthermia suceptibility 1; Anesthesia related hyperthermia; Malignant hyperpyrexia; Fulminating hyperpyrexia; Pharmacogenic myopathy. Identifiers: Orphanet 423, MedGen C2930980, MONDO:0007783, OMIM 145600.

Submission:

Color Diagnostics, LLC DBA Color Health
Classification: Uncertain significance for Malignant hyperthermia, susceptibility to, 1. Last evaluated: 2024-06-12. Review status: criteria provided, single submitter. Criteria: ACMG Guidelines, 2015. Collection method: clinical testing. Allele origin: germline.
Comment: This missense variant replaces methionine with isoleucine at codon 4183 of the RYR1 protein. Computational prediction suggests that this variant may have deleterious impact on protein structure and function (internally defined REVEL score threshold >= 0.7, PMID: 27666373). To our knowledge, functional studies have not been reported for this variant. This variant has not been reported in individuals affected with RYR1-related disorders in the literature. This variant has not been identified in the general population by the Genome Aggregation Database (gnomAD). The available evidence is insufficient to determine the role of this variant in disease conclusively. Therefore, this variant is classified as a Variant of Uncertain Significance.

NM_000540.3(RYR1):c.12549G>C (p.Met4183Ile)

Gene: RYR1 (ryanodine receptor 1; plus strand). Cytogenetic location: 19q13.2.
Variant type: single nucleotide variant.
Coding change: c.12549G>C on transcript NM_000540.3 (MANE Select); coding-DNA position 12549, G replaced by C.
Protein change: p.Met4183Ile; replaces methionine 4183 with isoleucine.
Molecular consequence: missense variant.
Genome position (GRCh38, 1-based): chr19:38,561,379, G>C. VCF-style: chr19-38561379-G-C. GRCh37 (hg19) VCF-style: chr19-39052019-G-C.
Other names: c.12534G>C, p.Met4178Ile (NM_001042723.2); short protein forms M4178I, M4183I.
Identifiers: ClinVar variation 3893935 (VCV003893935.1).